The following is an entry in ClinVar:

ClinVar aggregate classification (germline): Uncertain significance. Review status: criteria provided, multiple submitters, no conflicts (2 of 4 stars). 3 submissions from 3 submitters: Uncertain significance (3). Last evaluated 2023-08-03.

Conditions:
Dilated cardiomyopathy 1AA (CMD1AA). Also called: Cardiomyopathy, dilated, 1AA, with or without LVNC; CARDIOMYOPATHY, DILATED, 1AA, WITH OR WITHOUT LEFT VENTRICULAR NONCOMPACTION; CARDIOMYOPATHY, FAMILIAL HYPERTROPHIC, 23, WITH OR WITHOUT LEFT VENTRICULAR NONCOMPACTION. Identifiers: Orphanet 154, MedGen C2677338, MONDO:0012808, OMIM 612158.
Cardiovascular phenotype. Identifiers: MedGen CN230736.
Primary familial hypertrophic cardiomyopathy (HCM). Identifiers: Orphanet 99739, MedGen C0949658, MeSH D024741, MONDO:0024573. Inheritance: Various modes of inheritance.

Allele frequency attached by ClinVar (database versions not stated): gnomAD exomes below 0.00001.
gnomAD v4.1: 1 of 1,614,112 alleles (0.000062%); highest among the groups gnomAD compares: Non-Finnish European, 0.000085%; no homozygotes.

Submissions (3):

Ambry Genetics
Classification: Uncertain significance for Cardiovascular phenotype. Last evaluated: 2023-08-03. Review status: criteria provided, single submitter. Criteria: Ambry Variant Classification Scheme 2023. Collection method: clinical testing. Allele origin: germline.
Comment: The p.A153V variant (also known as c.458C>T), located in coding exon 5 of the ACTN2 gene, results from a C to T substitution at nucleotide position 458. The alanine at codon 153 is replaced by valine, an amino acid with similar properties. This amino acid position is conserved. In addition, this alteration is predicted to be deleterious by in silico analysis. Since supporting evidence is limited at this time, the clinical significance of this alteration remains unclear.

University of Washington Department of Laboratory Medicine, University of Washington
Classification: Uncertain significance for Dilated cardiomyopathy 1AA. Last evaluated: 2022-07-12. Review status: criteria provided, single submitter. Criteria: ACMG Guidelines, 2015. Collection method: clinical testing. Allele origin: paternal. Affected: yes.
Comment: The p.Ala153Val variant in the ACTN2 gene has not been previously reported in association with disease. The variant was absent from large population databases, including the Genome Aggregation Database. In silico tools do not consistently predict whether the p.Ala153Val impacts protein function; however, these predictions have not been tested directly. Using ACMG guidelines, this variant was classified as a variant of uncertain significance (ACMG evidence codes used: PM2_supporting).

Labcorp Genetics (formerly Invitae), Labcorp
Classification: Uncertain significance for Primary familial hypertrophic cardiomyopathy; Dilated cardiomyopathy 1AA. Last evaluated: 2022-04-01. Review status: criteria provided, single submitter. Criteria: Invitae Variant Classification Sherloc (09022015). Collection method: clinical testing. Allele origin: germline.
Comment: This sequence change replaces alanine, which is neutral and non-polar, with valine, which is neutral and non-polar, at codon 153 of the ACTN2 protein (p.Ala153Val). This variant is not present in population databases (gnomAD no frequency). This variant has not been reported in the literature in individuals affected with ACTN2-related conditions. Advanced modeling of protein sequence and biophysical properties (such as structural, functional, and spatial information, amino acid conservation, physicochemical variation, residue mobility, and thermodynamic stability) performed at Invitae indicates that this missense variant is not expected to disrupt ACTN2 protein function. In summary, the available evidence is currently insufficient to determine the role of this variant in disease. Therefore, it has been classified as a Variant of Uncertain Significance.

NM_001103.4(ACTN2):c.458C>T (p.Ala153Val)

Gene: ACTN2 (actinin alpha 2; plus strand). Cytogenetic location: 1q43.
Variant type: single nucleotide variant.
Coding change: c.458C>T on transcript NM_001103.4 (MANE Select); coding-DNA position 458, C replaced by T.
Protein change: p.Ala153Val; replaces alanine 153 with valine.
Molecular consequence: missense variant. On other transcripts: 5 prime UTR variant (1).
Genome position (GRCh38, 1-based): chr1:236,725,942, C>T. VCF-style: chr1-236725942-C-T. GRCh37 (hg19) VCF-style: chr1-236889242-C-T.
Other names: c.458C>T (NM_001103.2, NM_001103.3); c.458C>T, p.Ala153Val (NM_001278343.2); c.-364C>T (NM_001278344.2); c.-489C>T (NM_001412150.1); short protein forms A153V.
Identifiers: ClinVar variation 2120158 (VCV002120158.7), dbSNP rs2527559762, ClinGen allele CA345374521.